The following is an entry in ClinVar:

NM_177438.3(DICER1):c.5746C>T (p.Gln1916Ter)

Gene: DICER1 (dicer 1, ribonuclease III; minus strand). Cytogenetic location: 14q32.13.
Variant type: single nucleotide variant.
Coding change: c.5746C>T on transcript NM_177438.3 (MANE Select); coding-DNA position 5746, C replaced by T.
Protein change: p.Gln1916Ter; replaces glutamine 1916 with a stop codon.
Molecular consequence: nonsense. On other transcripts: 3 prime UTR variant (1).
Genome position (GRCh38, 1-based): chr14:95,090,521, G>A on the plus strand (C>T on the coding strand, the complement: DICER1 is on the minus strand). VCF-style: chr14-95090521-G-A. GRCh37 (hg19) VCF-style: chr14-95556858-G-A.
Other names: c.*93C>T (NM_001195573.1); c.5746C>T, p.Gln1916Ter (NM_001271282.3, NM_001291628.2, NM_030621.4); short protein forms Q1916*.
Identifiers: ClinVar variation 543603 (VCV000543603.9), dbSNP rs1253131536, ClinGen allele CA390862934.

ClinVar aggregate classification (germline): Uncertain significance. Review status: criteria provided, multiple submitters, no conflicts (2 of 4 stars). 2 submissions from 2 submitters: Uncertain significance (2). Last evaluated 2024-06-13.

Conditions:
DICER1-related tumor predisposition. Also called: DICER1-related pleuropulmonary blastoma cancer predisposition syndrome; DICER1 syndrome. Identifiers: Orphanet 284343, MedGen C3839822, MONDO:0100216.
Hereditary cancer-predisposing syndrome. Also called: Neoplastic Syndromes, Hereditary; Tumor predisposition; Hereditary Cancer Syndrome; Hereditary neoplastic syndrome. Identifiers: Orphanet 140162, MedGen C0027672, MeSH D009386, MONDO:0015356.

Allele frequency attached by ClinVar (database versions not stated): gnomAD 0.00001; TOPMed 0.00001.
gnomAD v4.1: 1 of 1,613,918 alleles (0.000062%); highest among the groups gnomAD compares: Non-Finnish European, 0.000085%; no homozygotes.

Submissions (2):

Ambry Genetics
Classification: Uncertain significance for Hereditary cancer-predisposing syndrome. Last evaluated: 2024-06-13. Review status: criteria provided, single submitter. Criteria: Ambry Variant Classification Scheme 2023. Collection method: clinical testing. Allele origin: germline.
Comment: The p.Q1916* variant (also known as c.5746C>T), located in coding exon 26 of the DICER1 gene, results from a C to T substitution at nucleotide position 5746. This changes the amino acid from a glutamine to a stop codon within coding exon 26. This alteration occurs at the 3' terminus of theDICER1 gene, is not expected to trigger nonsense-mediated mRNAdecay, and only impacts the last 7 amino acids of the protein. The exact functional effect of this alteration is unknown. Based on the available evidence, the clinical significance of this variant remains unclear.

Labcorp Genetics (formerly Invitae), Labcorp
Classification: Uncertain significance for DICER1-related tumor predisposition. Last evaluated: 2023-09-08. Review status: criteria provided, single submitter. Criteria: Invitae Variant Classification Sherloc (09022015). Collection method: clinical testing. Allele origin: germline.
Comment: This variant is not present in population databases (gnomAD no frequency). This sequence change creates a premature translational stop signal (p.Gln1916*) in the DICER1 gene. While this is not anticipated to result in nonsense mediated decay, it is expected to disrupt the last 7 amino acid(s) of the DICER1 protein. This variant has not been reported in the literature in individuals affected with DICER1-related conditions. In summary, the available evidence is currently insufficient to determine the role of this variant in disease. Therefore, it has been classified as a Variant of Uncertain Significance. ClinVar contains an entry for this variant (Variation ID: 543603).